The following is an entry in ClinVar:

ClinVar aggregate classification (germline): Uncertain significance (1 of 4 stars; one submission).

Submission:

Labcorp Genetics (formerly Invitae), Labcorp
Classification: Uncertain significance. Last evaluated: 2025-12-24. Review status: criteria provided, single submitter. Criteria: Invitae Variant Classification Sherloc (09022015). Collection method: clinical testing. Allele origin: germline.
Comment: This sequence change replaces glutamine, which is neutral and polar, with lysine, which is basic and polar, at codon 199 of the HEPACAM protein (p.Gln199Lys). This variant is not present in population databases (gnomAD no frequency). This variant has not been reported in the literature in individuals affected with HEPACAM-related conditions. Invitae Evidence Modeling of protein sequence and biophysical properties (such as structural, functional, and spatial information, amino acid conservation, physicochemical variation, residue mobility, and thermodynamic stability) indicates that this missense variant is not expected to disrupt HEPACAM protein function with a negative predictive value of 95%. In summary, the available evidence is currently insufficient to determine the role of this variant in disease. Therefore, it has been classified as a Variant of Uncertain Significance.

NM_152722.5(HEPACAM):c.595C>A (p.Gln199Lys)

Gene: HEPACAM (hepatic and glial cell adhesion molecule; minus strand). Cytogenetic location: 11q24.2.
Variant type: single nucleotide variant.
Coding change: c.595C>A on transcript NM_152722.5 (MANE Select); coding-DNA position 595, C replaced by A.
Protein change: p.Gln199Lys; replaces glutamine 199 with lysine.
Molecular consequence: missense variant.
Genome position (GRCh38, 1-based): chr11:124,923,843, G>T on the plus strand (C>A on the coding strand, the complement: HEPACAM is on the minus strand). VCF-style: chr11-124923843-G-T. GRCh37 (hg19) VCF-style: chr11-124793739-G-T.
Other names: c.595C>A, p.Gln199Lys (NM_001411043.1, NM_001441320.1); short protein forms Q199K.
Identifiers: ClinVar variation 4774006 (VCV004774006.1).